The following is an entry in ClinVar:

NM_003074.4(SMARCC1):c.2522T>G (p.Leu841Arg)

Gene: SMARCC1 (SWI/SNF related BAF chromatin remodeling complex subunit C1; minus strand). Cytogenetic location: 3p21.31.
Variant type: single nucleotide variant.
Coding change: c.2522T>G on transcript NM_003074.4 (MANE Select); coding-DNA position 2522, T replaced by G.
Protein change: p.Leu841Arg; replaces leucine 841 with arginine.
Molecular consequence: missense variant.
Genome position (GRCh38, 1-based): chr3:47,635,314, A>C on the plus strand (T>G on the coding strand, the complement: SMARCC1 is on the minus strand). VCF-style: chr3-47635314-A-C. GRCh37 (hg19) VCF-style: chr3-47676804-A-C.
Other names: short protein forms L841R.
Identifiers: ClinVar variation 5041475 (VCV005041475.1).
Genomic context (GRCh38, chr3:47,635,314, plus strand): 5'-ATTTCATGTTCTACTTTCTTCTTCCCAGTATCACTTTCTCTTTCTTTACATGTATCAGTG[A>C]GTTCTTTGTTCTCTTCAGTCTCCTTTTCTTCTGAAAATATCAGAAAGCTTTGTTACTAGC-3'
Protein context (NP_003065.3, residues 831-851): EEKETEENKE[Leu841Arg]TDTCKERESD

ClinVar aggregate classification (germline): Uncertain significance (1 of 4 stars; one submission).

gnomAD v4.1: 5 of 1,612,552 alleles (0.00031%); highest among the groups gnomAD compares: Admixed American, 0.0083%; no homozygotes.

Submission:

CeGaT Center for Human Genetics Tuebingen
Classification: Uncertain significance. Last evaluated: 2026-09-01. Review status: criteria provided, single submitter. Criteria: CeGaT Center For Human Genetics Tuebingen Variant Classification Criteria Version 2. Collection method: clinical testing. Allele origin: germline. Affected: yes. Observed: 1 variant allele.
Comment: SMARCC1: PM2, BP4